The following is an entry in ClinVar:

NM_006080.3(SEMA3A):c.869G>A (p.Arg290His)

Gene: SEMA3A (semaphorin 3A; minus strand). Cytogenetic location: 7q21.11.
Variant type: single nucleotide variant.
Coding change: c.869G>A on transcript NM_006080.3 (MANE Select); coding-DNA position 869, G replaced by A.
Protein change: p.Arg290His; replaces arginine 290 with histidine.
Molecular consequence: missense variant.
Genome position (GRCh38, 1-based): chr7:84,011,239, C>T on the plus strand (G>A on the coding strand, the complement: SEMA3A is on the minus strand). VCF-style: chr7-84011239-C-T. GRCh37 (hg19) VCF-style: chr7-83640555-C-T.
Other names: short protein forms R290H.
Identifiers: ClinVar variation 3355735 (VCV003355735.3).
Genomic context (GRCh38, chr7:84,011,239, plus strand): 5'-TTACGCAGTTCATCAAAATGAGTGTCAATGCCATTTGGACCTGGCACTGAGCAAATCAGA[C>T]GAGCTTTGAGGAATGTTGTCCATTTATTCACCAGACTTCTGTGCCCTCCAAAGTCATTCT-3'
Protein context (NP_006071.1, residues 280-300): VNKWTTFLKA[Arg290His]LICSVPGPNG

ClinVar aggregate classification (germline): Uncertain significance. Review status: criteria provided, single submitter (1 of 4 stars). 2 submissions from 2 submitters: Uncertain significance (1). 1 of the submissions does not count toward it. Last evaluated 2025-08-18.

Conditions:
SEMA3A-related disorder. Also called: SEMA3A-related condition.
Hypogonadotropic hypogonadism 16 with or without anosmia (HH16). Also called: HYPOGONADOTROPIC HYPOGONADISM 16 WITH ANOSMIA, SUSCEPTIBILITY TO. Identifiers: Orphanet 478, MedGen C3554021, MONDO:0013961, OMIM 614897.

gnomAD v4.1: 25 of 1,613,854 alleles (0.0015%); highest among the groups gnomAD compares: African/African-American, 0.004%; no homozygotes.

Submissions (2):

Victorian Clinical Genetics Services, Murdoch Childrens Research Institute
Classification: Uncertain significance for Hypogonadotropic hypogonadism 16 with or without anosmia. Last evaluated: 2025-08-18. Review status: criteria provided, single submitter. Criteria: ACMG Guidelines, 2015. Collection method: clinical testing. Allele origin: germline. Affected: yes.
Comment: This variant is classified as VUS-3B. Evidence in support of pathogenic classification: Variant is present in gnomAD <0.01 (v4: 25 heterozygote(s), 0 homozygote(s)). Additional information: Variant is predicted to result in a missense amino acid change from Arg to His; This variant is heterozygous; This gene is associated with both recessive and dominant disease. A more severe phenotype including short stature and congenital heart defects is associated with the recessive condition (PMID: 33369061, 28075028, 24124006); Alternative amino acid change(s) at the same position are present in gnomAD (Highest allele count: v4: 20 heterozygote(s), 0 homozygote(s)); Previous reports of pathogenicity for this variant are conflicting. This variant has been classified as a VUS by a clinical laboratory in ClinVar, it was detected in two individuals with obesity and no indication of differences of sex development (personal correspondence PreventionGenetics). Additionally, it has been reported in the literature in two males with differences of sex development (PMID: 28833369, 30098700); No published functional evidence has been identified for this variant; No comparable missense variants have previous evidence for pathogenicity; Variant is located in the annotated sema domain (UniProt); Missense variant with inconclusive in silico prediction and uninformative conservation; Loss of function is a known mechanism of disease in this gene and is associated with hypogonadotropic hypogonadism 16 with or without anosmia (MONDO:0013961); Inheritance information for this variant is not currently available in this individual.

PreventionGenetics, part of Exact Sciences
Classification: Uncertain significance for SEMA3A-related condition. Last evaluated: 2024-03-13. Review status: no assertion criteria provided. Collection method: clinical testing. Allele origin: germline. Not counted in ClinVar's aggregate classification.
Comment: The SEMA3A c.869G>A variant is predicted to result in the amino acid substitution p.Arg290His. This variant was reported in an individual with Kallmann syndrome and bilateral cryptorchidism; however, this patient also carried a missense variant in the CASR gene (See Supp. Table 6 in Zhou et al 2018. PubMed ID: 30098700). This variant is reported in 0.018% of alleles in individuals of African descent in gnomAD. At this time, the clinical significance of this variant is uncertain due to the absence of conclusive functional and genetic evidence.

Literature cited by the submitters: PubMed 30098700 (cited by Victorian Clinical Genetics Services, Murdoch Childrens Research Institute); PubMed 28833369 (cited by Victorian Clinical Genetics Services, Murdoch Childrens Research Institute); PubMed 33369061 (cited by Victorian Clinical Genetics Services, Murdoch Childrens Research Institute); PubMed 28075028 (cited by Victorian Clinical Genetics Services, Murdoch Childrens Research Institute); PubMed 24124006 (cited by Victorian Clinical Genetics Services, Murdoch Childrens Research Institute).